The following is an entry in ClinVar:

ClinVar aggregate classification (germline): Benign/Likely benign. Review status: criteria provided, multiple submitters, no conflicts (2 of 4 stars). 8 submissions from 8 submitters: Benign (1); Likely benign (4). 3 of the submissions do not count toward it. Last evaluated 2026-01-28.

Conditions:
SERPINI1-related disorder. Also called: SERPINI1-related condition.
Familial encephalopathy with neuroserpin inclusion bodies. Also called: ENCEPHALOPATHY, FAMILIAL, WITH COLLINS BODIES. Identifiers: Orphanet 85110, MedGen C1858680, MONDO:0011412, OMIM 604218.

Allele frequency attached by ClinVar (database versions not stated): gnomAD 0.00073; TOPMed 0.00096; ExAC 0.00112; ESP Exome Variant Server 0.00115.
gnomAD v4.1: 2,012 of 1,614,004 alleles (0.12%); highest among the groups gnomAD compares: Non-Finnish European, 0.15%; 1 homozygote.

Submissions (8):

Labcorp Genetics (formerly Invitae), Labcorp
Classification: Likely benign for Familial encephalopathy with neuroserpin inclusion bodies. Last evaluated: 2026-01-28. Review status: criteria provided, single submitter. Criteria: Invitae Variant Classification Sherloc (09022015). Collection method: clinical testing. Allele origin: germline.

Blueprint Genetics
Classification: Likely benign. Last evaluated: 2024-11-14. Review status: criteria provided, single submitter. Criteria: ACMG Guidelines, 2015. Collection method: clinical testing. Allele origin: germline.

CeGaT Center for Human Genetics Tuebingen
Classification: Likely benign. Last evaluated: 2024-07-01. Review status: criteria provided, single submitter. Criteria: CeGaT Center For Human Genetics Tuebingen Variant Classification Criteria Version 2. Collection method: clinical testing. Allele origin: germline. Affected: yes. Observed: 1 variant allele.
Comment: SERPINI1: BP4, BS2

Illumina Laboratory Services, Illumina
Classification: Benign for Familial encephalopathy with neuroserpin inclusion bodies. Last evaluated: 2018-01-12. Review status: criteria provided, single submitter. Criteria: ICSL Variant Classification Criteria 13 December 2019. Collection method: clinical testing. Allele origin: germline.
Comment: This variant was observed in the ICSL laboratory as part of a predisposition screen in an ostensibly healthy population. It had not been previously curated by ICSL or reported in the Human Gene Mutation Database (HGMD: prior to June 1st, 2018), and was therefore a candidate for classification through an automated scoring system. Utilizing variant allele frequency, disease prevalence and penetrance estimates, and inheritance mode, an automated score was calculated to assess if this variant is too frequent to cause the disease. Based on the score and internal cut-off values, a variant classified as benign is not then subjected to further curation. The score for this variant resulted in a classification of benign for this disease.

Breakthrough Genomics
Classification: Likely benign. Review status: criteria provided, single submitter. Criteria: ACMG Guidelines, 2015. Collection method: not provided. Allele origin: germline. Inheritance: Autosomal dominant inheritance. Affected: yes.

PreventionGenetics, part of Exact Sciences
Classification: Likely benign for SERPINI1-related condition. Last evaluated: 2020-11-18. Review status: no assertion criteria provided. Collection method: clinical testing. Allele origin: germline. Not counted in ClinVar's aggregate classification.
Comment: This variant is classified as likely benign based on ACMG/AMP sequence variant interpretation guidelines (Richards et al. 2015 PMID: 25741868, with internal and published modifications).

Clinical Genetics DNA and cytogenetics Diagnostics Lab, Erasmus MC, Erasmus Medical Center
Classification: Likely benign. Review status: no assertion criteria provided. Collection method: clinical testing. Allele origin: germline. Affected: yes. Study: VKGL Data-share Consensus. Not counted in ClinVar's aggregate classification.

Genome Diagnostics Laboratory, Amsterdam University Medical Center
Classification: Likely benign. Review status: no assertion criteria provided. Collection method: clinical testing. Allele origin: germline. Affected: yes. Study: VKGL Data-share Consensus. Not counted in ClinVar's aggregate classification.

NM_001122752.2(SERPINI1):c.106C>A (p.Arg36Ser)

Gene: SERPINI1 (serpin family I member 1; plus strand). Cytogenetic location: 3q26.1.
Variant type: single nucleotide variant.
Coding change: c.106C>A on transcript NM_001122752.2 (MANE Select); coding-DNA position 106, C replaced by A.
Protein change: p.Arg36Ser; replaces arginine 36 with serine.
Molecular consequence: missense variant.
Genome position (GRCh38, 1-based): chr3:167,789,234, C>A. VCF-style: chr3-167789234-C-A. GRCh37 (hg19) VCF-style: chr3-167507022-C-A.
Other names: c.106C>A, p.Arg36Ser (NM_005025.5); short protein forms R36S.
Identifiers: ClinVar variation 344121 (VCV000344121.36), dbSNP rs61735306, ClinGen allele CA2694733.
Genomic context (GRCh38, chr3:167,789,234, plus strand): 5'-GCTACAGGGGCCACTTTCCCTGAGGAAGCCATTGCTGACTTGTCAGTGAATATGTATAAT[C>A]GTCTTAGAGCCACTGGTGAAGATGAAAATATTCTCTTCTCTCCATTGAGTATTGCTCTTG-3'
Protein context (NP_001116224.1, residues 26-46): IADLSVNMYN[Arg36Ser]LRATGEDENI